The following is an entry in ClinVar:

NM_182914.3(SYNE2):c.18352A>G (p.Arg6118Gly)

Gene: SYNE2 (spectrin repeat containing nuclear envelope protein 2; plus strand). Cytogenetic location: 14q23.2.
Variant type: single nucleotide variant.
Coding change: c.18352A>G on transcript NM_182914.3 (MANE Select); coding-DNA position 18352, A replaced by G.
Protein change: p.Arg6118Gly; replaces arginine 6118 with glycine.
Molecular consequence: missense variant.
Genome position (GRCh38, 1-based): chr14:64,208,908, A>G. VCF-style: chr14-64208908-A-G. GRCh37 (hg19) VCF-style: chr14-64675626-A-G.
Other names: c.18352A>G, p.Arg6118Gly (NM_015180.6); short protein forms R6118G.
Identifiers: ClinVar variation 4882948 (VCV004882948.2).
Genomic context (GRCh38, chr14:64,208,908, plus strand): 5'-GCAAATGAGACCGAGTGTGACTCGATCCAGCAGACCACCAGGAGCCTGGACAGACGCTGG[A>G]GGAACATTTGTGCCATGTCCATGGAGCGGCGCATGAAGTAAGAACTAAGCTCCCCCAAAT-3'
Protein context (NP_878918.2, residues 6108-6128): QTTRSLDRRW[Arg6118Gly]NICAMSMERR

ClinVar aggregate classification (germline): Uncertain significance (1 of 4 stars; one submission).

Submission:

Dasa
Classification: Uncertain significance. Last evaluated: 2025-11-18. Review status: criteria provided, single submitter. Criteria: DASA Assertion Criteria. Collection method: clinical testing. Allele origin: germline.
Comment: NM_182914.3(SYNE2):c.18352A>G (p.Arg6118Gly) is a missense variant that results in the substitution of arginine with glycine. This variant is absent from population databases. Computational prediction algorithms are consistent with a deleterious effect. The currently available literature and clinical evidence are not sufficient to establish a definitive association between this variant and the reported condition. Therefore, this variant is classified as a variant of uncertain significance.